The following is an entry in ClinVar:

ClinVar aggregate classification (germline): Uncertain significance (1 of 4 stars; one submission).

Conditions:
DICER1-related tumor predisposition. Also called: DICER1 syndrome; DICER1-related pleuropulmonary blastoma cancer predisposition syndrome. Identifiers: Orphanet 284343, MedGen C3839822, MONDO:0100216.

gnomAD v4.1: 1 of 1,614,004 alleles (0.000062%); no homozygotes.

Submission:

Labcorp Genetics (formerly Invitae), Labcorp
Classification: Uncertain significance for DICER1-related tumor predisposition. Last evaluated: 2019-07-21. Review status: criteria provided, single submitter. Criteria: Invitae Variant Classification Sherloc (09022015). Collection method: clinical testing. Allele origin: germline.
Comment: This sequence change replaces threonine with asparagine at codon 798 of the DICER1 protein (p.Thr798Asn). The threonine residue is highly conserved and there is a small physicochemical difference between threonine and asparagine. This variant is not present in population databases (ExAC no frequency). This variant has not been reported in the literature in individuals with DICER1-related conditions. Algorithms developed to predict the effect of missense changes on protein structure and function are either unavailable or do not agree on the potential impact of this missense change (SIFT: "Tolerated"; PolyPhen-2: "Probably Damaging"; Align-GVGD: "Class C0"). In summary, the available evidence is currently insufficient to determine the role of this variant in disease. Therefore, it has been classified as a Variant of Uncertain Significance.

NM_177438.3(DICER1):c.2393C>A (p.Thr798Asn)

Gene: DICER1 (dicer 1, ribonuclease III; minus strand). Cytogenetic location: 14q32.13.
Variant type: single nucleotide variant.
Coding change: c.2393C>A on transcript NM_177438.3 (MANE Select); coding-DNA position 2393, C replaced by A.
Protein change: p.Thr798Asn; replaces threonine 798 with asparagine.
Molecular consequence: missense variant.
Genome position (GRCh38, 1-based): chr14:95,108,367, G>T on the plus strand (C>A on the coding strand, the complement: DICER1 is on the minus strand). VCF-style: chr14-95108367-G-T. GRCh37 (hg19) VCF-style: chr14-95574704-G-T.
Other names: c.2393C>A, p.Thr798Asn (NM_001195573.1, NM_001271282.3, NM_001291628.2 and 1 more transcripts); short protein forms T798N.
Identifiers: ClinVar variation 956280 (VCV000956280.2), dbSNP rs1891647697, ClinGen allele CA390882138.